The following is an entry in ClinVar:

ClinVar aggregate classification (germline): Uncertain significance. Review status: criteria provided, multiple submitters, no conflicts (2 of 4 stars). 2 submissions from 2 submitters: Uncertain significance (2). Last evaluated 2026-04-28.

Conditions:
Inborn genetic diseases. Identifiers: MedGen C0950123, MeSH D030342.

Allele frequency attached by ClinVar (database versions not stated): ExAC 0.00002; gnomAD exomes 0.00004 and 0.00001; TOPMed 0.00003.
gnomAD v4.1: 20 of 1,612,688 alleles (0.0012%); highest among the groups gnomAD compares: Admixed American, 0.022%; no homozygotes.

Submissions (2):

Ambry Genetics
Classification: Uncertain significance for Inborn genetic diseases. Last evaluated: 2026-04-28. Review status: criteria provided, single submitter. Criteria: Ambry Variant Classification Scheme 2023. Collection method: clinical testing. Allele origin: germline.
Comment: The c.2723A>G (p.Q908R) alteration is located in exon 31 (coding exon 31) of the TBCD gene. This alteration results from a A to G substitution at nucleotide position 2723, causing the glutamine (Q) at amino acid position 908 to be replaced by an arginine (R). Based on data from gnomAD, the G allele has an overall frequency of 0.004% (11/248240) total alleles studied. The highest observed frequency was 0.032% (11/34502) of Latino alleles. This amino acid position is highly conserved in available vertebrate species. This alteration is predicted to be tolerated by in silico analysis. Based on insufficient or conflicting evidence, the clinical significance of this alteration remains unclear.

Labcorp Genetics (formerly Invitae), Labcorp
Classification: Uncertain significance. Last evaluated: 2026-01-19. Review status: criteria provided, single submitter. Criteria: Invitae Variant Classification Sherloc (09022015). Collection method: clinical testing. Allele origin: germline.
Comment: This sequence change replaces glutamine, which is neutral and polar, with arginine, which is basic and polar, at codon 908 of the TBCD protein (p.Gln908Arg). This variant is present in population databases (rs770264615, gnomAD 0.03%). This variant has not been reported in the literature in individuals affected with TBCD-related conditions. ClinVar contains an entry for this variant (Variation ID: 1405053). Invitae Evidence Modeling of protein sequence and biophysical properties (such as structural, functional, and spatial information, amino acid conservation, physicochemical variation, residue mobility, and thermodynamic stability) has been performed for this missense variant. However, the output from this modeling did not meet the statistical confidence thresholds required to predict the impact of this variant on TBCD protein function. In summary, the available evidence is currently insufficient to determine the role of this variant in disease. Therefore, it has been classified as a Variant of Uncertain Significance.

NM_005993.5(TBCD):c.2723A>G (p.Gln908Arg)

Gene: TBCD (tubulin folding cofactor D). Cytogenetic location: 17q25.3.
Variant type: single nucleotide variant.
Coding change: c.2723A>G on transcript NM_005993.5 (MANE Select); coding-DNA position 2723, A replaced by G.
Protein change: p.Gln908Arg; replaces glutamine 908 with arginine.
Molecular consequence: missense variant.
Genome position (GRCh38, 1-based): chr17:82,929,142, A>G. VCF-style: chr17-82929142-A-G. GRCh37 (hg19) VCF-style: chr17-80887018-A-G.
Other names: c.2723A>G (NM_005993.4); short protein forms Q908R.
Identifiers: ClinVar variation 1405053 (VCV001405053.8), dbSNP rs770264615, ClinGen allele CA8863218.